The following is an entry in ClinVar:

NM_001267550.2(TTN):c.43901A>G (p.Lys14634Arg)

Gene: TTN (titin; minus strand). Cytogenetic location: 2q31.2.
Variant type: single nucleotide variant.
Coding change: c.43901A>G on transcript NM_001267550.2 (MANE Select); coding-DNA position 43901, A replaced by G.
Protein change: p.Lys14634Arg; replaces lysine 14634 with arginine.
Molecular consequence: missense variant.
Genome position (GRCh38, 1-based): chr2:178,631,147, T>C on the plus strand (A>G on the coding strand, the complement: TTN is on the minus strand). VCF-style: chr2-178631147-T-C. GRCh37 (hg19) VCF-style: chr2-179495874-T-C.
Other names: c.38978A>G, p.Lys12993Arg (NM_001256850.1); c.16706A>G, p.Lys5569Arg (NM_003319.4); c.36197A>G, p.Lys12066Arg (NM_133378.4); c.17081A>G, p.Lys5694Arg (NM_133432.3); c.17282A>G, p.Lys5761Arg (NM_133437.4); short protein forms K12066R, K12993R, K14634R, K5569R, K5694R, K5761R.
Identifiers: ClinVar variation 3371705 (VCV003371705.1).

ClinVar aggregate classification (germline): Uncertain significance (1 of 4 stars; one submission).

gnomAD v4.1: 1 of 1,613,382 alleles (0.000062%); highest among the groups gnomAD compares: Non-Finnish European, 0.000085%; no homozygotes.

Submission:

GeneDx
Classification: Uncertain significance. Last evaluated: 2024-04-02. Review status: criteria provided, single submitter. Criteria: GeneDx Variant Classification Process June 2021. Collection method: clinical testing. Allele origin: germline. Affected: yes.
Comment: Not observed at significant frequency in large population cohorts (gnomAD); Missense variant in a gene in which most reported pathogenic variants are truncating/loss of function; Has not been previously published as pathogenic or benign to our knowledge